The following is an entry in ClinVar:

ClinVar aggregate classification (germline): Uncertain significance (1 of 4 stars; one submission).

Conditions:
Fabry disease. Also called: ALPHA-GALACTOSIDASE A DEFICIENCY; ANDERSON-FABRY DISEASE; CERAMIDE TRIHEXOSIDASE DEFICIENCY; GLA DEFICIENCY; HEREDITARY DYSTOPIC LIPIDOSIS; Angiokeratoma corporis diffusum. Identifiers: Orphanet 324, MedGen C0002986, MONDO:0010526, OMIM 301500, HP:0001071. Disease mechanism: Fabry disease is due to inactivating mutations in the X-linked GLA gene resulting in deficiency of the enzyme Alpha Galactosidase-A., loss of function.

Submission:

Genomenon, Inc
Classification: Uncertain significance for Fabry disease. Last evaluated: 2026-09-08. Review status: criteria provided, single submitter. Criteria: Genomenon Sequence Variant Interpretation Standards - Updated. Collection method: curation. Allele origin: germline. Affected: no.
Comment: GLA p.Trp24Cys (c.72G>T) is a missense variant that changes the amino acid at codon 24 from Tryptophan to Cysteine. This variant has been reported in the published literature (PMID:23935525). It is absent or not present at a significant frequency in gnomAD. In conclusion, we classify GLA p.Trp24Cys (c.72G>T) as a variant of uncertain significance.

Literature cited by the submitters: PubMed 23935525.

NM_000169.3(GLA):c.72G>T (p.Trp24Cys)

Genes: GLA (galactosidase alpha; minus strand), RPL36A-HNRNPH2 (RPL36A-HNRNPH2 readthrough; plus strand). Cytogenetic location: Xq22.1.
Variant type: single nucleotide variant.
Coding change: c.72G>T on transcript NM_000169.3 (MANE Select); coding-DNA position 72, G replaced by T.
Protein change: p.Trp24Cys; replaces tryptophan 24 with cysteine.
Molecular consequence: missense variant. On other transcripts: non-coding transcript variant (3), intron variant (2).
Genome position (GRCh38, 1-based): chrX:101,407,832, C>A on the plus strand (G>T on the coding strand, the complement: GLA is on the minus strand). VCF-style: chrX-101407832-C-A. GRCh37 (hg19) VCF-style: chrX-100662820-C-A.
Other names: c.72G>T, p.Trp24Cys (NM_001406747.1, NM_001406748.1, NM_001406749.1); c.301-4104C>A (NM_001199973.2); c.178-4104C>A (NM_001199974.2); short protein forms W24C.
Identifiers: ClinVar variation 4087377 (VCV004087377.2).
Genomic context (GRCh38, chrX:101,407,832, plus strand): 5'-CCAGCCCATGGTAGGCGTCCTTGCCAATCCATTGTCCAGTGCTCTAGCCCCAGGGATGTC[C>A]CAGGAAACGAGGGCCAGGAAGCGAAGCGCAAGCGCGCAGCCCAGATGTAGTTCTGGGTTC-3'
Protein context (NP_000160.1, residues 14-34): LALRFLALVS[Trp24Cys]DIPGARALDN